The following is an entry in ClinVar:

NM_006231.4(POLE):c.3368A>G (p.Asp1123Gly)

Gene: POLE (DNA polymerase epsilon, catalytic subunit; minus strand). Cytogenetic location: 12q24.33.
Variant type: single nucleotide variant.
Coding change: c.3368A>G on transcript NM_006231.4 (MANE Select); coding-DNA position 3368, A replaced by G.
Protein change: p.Asp1123Gly; replaces aspartic acid 1123 with glycine.
Molecular consequence: missense variant.
Genome position (GRCh38, 1-based): chr12:132,657,878, T>C on the plus strand (A>G on the coding strand, the complement: POLE is on the minus strand). VCF-style: chr12-132657878-T-C. GRCh37 (hg19) VCF-style: chr12-133234464-T-C.
Other names: c.3368A>G (NM_006231.2); short protein forms D1123G.
Identifiers: ClinVar variation 944493 (VCV000944493.8), dbSNP rs2042580837, ClinGen allele CA387389593.
Genomic context (GRCh38, chr12:132,657,878, plus strand): 5'-CTAGCTTTCCTTGTAAACTTTTAAGAGTAGAGAACGCAACTGGCACTCACTGCTCGAATA[T>C]CAAAGTCTTGAAGGGAAGAGCTCTTGAGCCATTTCCGGAGAAAGTGCTTCCTCACCGTGG-3'
Protein context (NP_006222.2, residues 1113-1133): WLKSSSLQDF[Asp1123Gly]IRAILDWDYY

ClinVar aggregate classification (germline): Uncertain significance. Review status: criteria provided, multiple submitters, no conflicts (2 of 4 stars). 2 submissions from 2 submitters: Uncertain significance (2). Last evaluated 2026-07-15.

Conditions:
Hereditary cancer-predisposing syndrome. Also called: Neoplastic Syndromes, Hereditary; Hereditary Cancer Syndrome; Tumor predisposition; Hereditary neoplastic syndrome. Identifiers: Orphanet 140162, MedGen C0027672, MeSH D009386, MONDO:0015356.

Allele frequency attached by ClinVar (database versions not stated): gnomAD exomes below 0.00001.
gnomAD v4.1: 1 of 1,611,658 alleles (0.000062%); highest among the groups gnomAD compares: Non-Finnish European, 0.000085%; no homozygotes.

Submissions (2):

Ambry Genetics
Classification: Uncertain significance for Hereditary cancer-predisposing syndrome. Last evaluated: 2026-07-15. Review status: criteria provided, single submitter. Criteria: Ambry Variant Classification Scheme 2023. Collection method: clinical testing. Allele origin: germline.
Comment: The p.D1123G variant (also known as c.3368A>G), located in coding exon 27 of the POLE gene, results from an A to G substitution at nucleotide position 3368. The aspartic acid at codon 1123 is replaced by glycine, an amino acid with similar properties. This amino acid position is conserved. In addition, the in silico prediction for this alteration is inconclusive. Based on the available evidence, the clinical significance of this variant remains unclear.

Labcorp Genetics (formerly Invitae), Labcorp
Classification: Uncertain significance. Last evaluated: 2022-06-07. Review status: criteria provided, single submitter. Criteria: Invitae Variant Classification Sherloc (09022015). Collection method: clinical testing. Allele origin: germline.
Comment: This sequence change replaces aspartic acid, which is acidic and polar, with glycine, which is neutral and non-polar, at codon 1123 of the POLE protein (p.Asp1123Gly). This variant is not present in population databases (gnomAD no frequency). This variant has not been reported in the literature in individuals affected with POLE-related conditions. ClinVar contains an entry for this variant (Variation ID: 944493). Algorithms developed to predict the effect of missense changes on protein structure and function (SIFT, PolyPhen-2, Align-GVGD) all suggest that this variant is likely to be disruptive. Algorithms developed to predict the effect of sequence changes on RNA splicing suggest that this variant may create or strengthen a splice site. In summary, the available evidence is currently insufficient to determine the role of this variant in disease. Therefore, it has been classified as a Variant of Uncertain Significance.